The following is an entry in ClinVar:

ClinVar aggregate classification (germline): Uncertain significance (1 of 4 stars; one submission).

Submission:

GeneDx
Classification: Uncertain significance. Last evaluated: 2014-08-06. Review status: criteria provided, single submitter. Criteria: GeneDx Variant Classification (06012015). Collection method: clinical testing. Allele origin: germline. Affected: yes.
Comment: p.Leu270Pro (CTC>CCC): c.809 T>C in exon 7 of the CLN6 gene (NM_017882.2). The L270P variant has not been published as a mutation, nor has it been reported as a benign polymorphism to our knowledge. It was not observed in approximately 6,500 individuals of European and African American ancestry in the NHLBI Exome Sequencing Project, indicating it is not a common benign variant in these populations. The L270P variant is a semi-conservative amino acid substitution, which may impact secondary protein structure as these residues differ in some properties. This substitution occurs at a position that is conserved across species, and in silico analysis predicts this variant is probably damaging to the protein structure/function. However, other missense mutations in nearby residues have not been reported. Therefore, based on the currently available information, it is unclear whether the L270P variant is a pathogenic mutation or a rare benign variant. This variant has been seen apparently homozygous The variant is found in PME-EPI panel(s).

NM_017882.3(CLN6):c.809T>C (p.Leu270Pro)

Gene: CLN6 (CLN6 transmembrane ER protein; minus strand). Cytogenetic location: 15q23.
Variant type: single nucleotide variant.
Coding change: c.809T>C on transcript NM_017882.3 (MANE Select); coding-DNA position 809, T replaced by C.
Protein change: p.Leu270Pro; replaces leucine 270 with proline.
Molecular consequence: missense variant.
Genome position (GRCh38, 1-based): chr15:68,208,267, A>G on the plus strand (T>C on the coding strand, the complement: CLN6 is on the minus strand). VCF-style: chr15-68208267-A-G. GRCh37 (hg19) VCF-style: chr15-68500605-A-G.
Other names: p.L270P:CTC>CCC; short protein forms L270P.
Identifiers: ClinVar variation 205178 (VCV000205178.2), dbSNP rs796052359, ClinGen allele CA313983.